The following is an entry in ClinVar:

ClinVar aggregate classification (germline): Uncertain significance. Review status: criteria provided, multiple submitters, no conflicts (2 of 4 stars). 2 submissions from 2 submitters: Uncertain significance (2). Last evaluated 2026-04-10.

Conditions:
Inborn genetic diseases. Identifiers: MedGen C0950123, MeSH D030342.

Submissions (2):

GeneDx
Classification: Uncertain significance. Last evaluated: 2026-04-10. Review status: criteria provided, single submitter. Criteria: GeneDx Variant Classification Process June 2021. Collection method: clinical testing. Allele origin: germline.
Comment: Not observed at significant frequency in large population cohorts (gnomAD); In silico analysis supports that this missense variant has a deleterious effect on protein structure/function; Has not been previously published as pathogenic or benign to our knowledge

Ambry Genetics
Classification: Uncertain significance for Inborn genetic diseases. Last evaluated: 2022-01-04. Review status: criteria provided, single submitter. Criteria: Ambry Variant Classification Scheme 2023. Collection method: clinical testing. Allele origin: germline.

NM_001360.3(DHCR7):c.575C>G (p.Ser192Cys)

Gene: DHCR7 (7-dehydrocholesterol reductase; minus strand). Cytogenetic location: 11q13.4.
Variant type: single nucleotide variant.
Coding change: c.575C>G on transcript NM_001360.3 (MANE Select); coding-DNA position 575, C replaced by G.
Protein change: p.Ser192Cys; replaces serine 192 with cysteine.
Molecular consequence: missense variant.
Genome position (GRCh38, 1-based): chr11:71,441,278, G>C on the plus strand (C>G on the coding strand, the complement: DHCR7 is on the minus strand). VCF-style: chr11-71441278-G-C. GRCh37 (hg19) VCF-style: chr11-71152324-G-C.
Other names: c.575C>G, p.Ser192Cys (NM_001163817.2); short protein forms S192C.
Identifiers: ClinVar variation 2269404 (VCV002269404.3), dbSNP rs766299724, ClinGen allele CA381694392.